The following is an entry in ClinVar:

ClinVar aggregate classification (germline): Uncertain significance. Review status: criteria provided, multiple submitters, no conflicts (2 of 4 stars). 2 submissions from 2 submitters: Uncertain significance (2). Last evaluated 2024-08-28.

Conditions:
Peripheral neuropathy. Also called: Neuropathy. Identifiers: MedGen C0031117, MONDO:0005244, HP:0009830.

Allele frequency attached by ClinVar (database versions not stated): TOPMed 0.00015.
gnomAD v4.1: 331 of 1,606,322 alleles (0.021%); highest among the groups gnomAD compares: Non-Finnish European, 0.026%; no homozygotes.

Submissions (2):

Ambry Genetics
Classification: Uncertain significance. Last evaluated: 2024-08-28. Review status: criteria provided, single submitter. Criteria: Ambry Variant Classification Scheme 2023. Collection method: clinical testing. Allele origin: germline.

Labcorp Genetics (formerly Invitae), Labcorp
Classification: Uncertain significance for Peripheral neuropathy. Last evaluated: 2022-07-19. Review status: criteria provided, single submitter. Criteria: Invitae Variant Classification Sherloc (09022015). Collection method: clinical testing. Allele origin: germline.
Comment: In summary, the available evidence is currently insufficient to determine the role of this variant in disease. Therefore, it has been classified as a Variant of Uncertain Significance. Algorithms developed to predict the effect of missense changes on protein structure and function are either unavailable or do not agree on the potential impact of this missense change (SIFT: "Deleterious"; PolyPhen-2: "Not Available"; Align-GVGD: "Class C0"). ClinVar contains an entry for this variant (Variation ID: 530938). This variant has not been reported in the literature in individuals affected with FLRT1-related conditions. This variant is present in population databases (rs139768227, gnomAD 0.03%). This sequence change replaces threonine, which is neutral and polar, with methionine, which is neutral and non-polar, at codon 13 of the FLRT1 protein (p.Thr13Met).

NM_013280.5(FLRT1):c.38C>T (p.Thr13Met)

Genes: FLRT1 (fibronectin leucine rich transmembrane protein 1; plus strand), MACROD1 (mono-ADP ribosylhydrolase 1; minus strand). Cytogenetic location: 11q13.1.
Variant type: single nucleotide variant.
Coding change: c.38C>T on transcript NM_013280.5 (MANE Select); coding-DNA position 38, C replaced by T.
Protein change: p.Thr13Met; replaces threonine 13 with methionine.
Molecular consequence: missense variant. On other transcripts: 5 prime UTR variant (1), intron variant (2).
Genome position (GRCh38, 1-based): chr11:64,116,305, C>T. VCF-style: chr11-64116305-C-T. GRCh37 (hg19) VCF-style: chr11-63883777-C-T.
Other names: c.38C>T, p.Thr13Met (NM_001384466.1); c.-47C>T (NM_001423967.1); c.517+34934G>A (NM_001411019.1, NM_014067.4); short protein forms T13M.
Identifiers: ClinVar variation 530938 (VCV000530938.10), dbSNP rs139768227, ClinGen allele CA6067397.